The following is an entry in ClinVar:

NM_024529.5(CDC73):c.985G>A (p.Ala329Thr)

Gene: CDC73 (cell division cycle 73; plus strand). Cytogenetic location: 1q31.2.
Variant type: single nucleotide variant.
Coding change: c.985G>A on transcript NM_024529.5 (MANE Select); coding-DNA position 985, G replaced by A.
Protein change: p.Ala329Thr; replaces alanine 329 with threonine.
Molecular consequence: missense variant.
Genome position (GRCh38, 1-based): chr1:193,203,807, G>A. VCF-style: chr1-193203807-G-A. GRCh37 (hg19) VCF-style: chr1-193172937-G-A.
Other names: short protein forms A329T.
Identifiers: ClinVar variation 2002027 (VCV002002027.4), dbSNP rs1436120903, ClinGen allele CA344076101.

ClinVar aggregate classification (germline): Uncertain significance (1 of 4 stars; one submission).

Conditions:
Parathyroid carcinoma (PRTC). Also called: Parathyroid gland carcinoma; CDC73-Related Parathyroid Carcinoma. Identifiers: Orphanet 143, MedGen C0687150, MONDO:0012004, OMIM 608266, HP:0006780.

Submission:

Labcorp Genetics (formerly Invitae), Labcorp
Classification: Uncertain significance for Parathyroid carcinoma. Last evaluated: 2024-04-16. Review status: criteria provided, single submitter. Criteria: Invitae Variant Classification Sherloc (09022015). Collection method: clinical testing. Allele origin: germline.
Comment: This sequence change replaces alanine, which is neutral and non-polar, with threonine, which is neutral and polar, at codon 329 of the CDC73 protein (p.Ala329Thr). This variant is not present in population databases (gnomAD no frequency). This variant has not been reported in the literature in individuals affected with CDC73-related conditions. ClinVar contains an entry for this variant (Variation ID: 2002027). Advanced modeling of protein sequence and biophysical properties (such as structural, functional, and spatial information, amino acid conservation, physicochemical variation, residue mobility, and thermodynamic stability) performed at Invitae indicates that this missense variant is not expected to disrupt CDC73 protein function with a negative predictive value of 80%. In summary, the available evidence is currently insufficient to determine the role of this variant in disease. Therefore, it has been classified as a Variant of Uncertain Significance.